The following is an entry in ClinVar:

ClinVar aggregate classification (germline): Likely benign (0 of 4 stars; one submission).

Conditions:
KMT2D-related disorder. Also called: KMT2D-Related Disorders.

Submission:

PreventionGenetics, part of Exact Sciences
Classification: Likely benign for KMT2D-related condition. Last evaluated: 2022-04-27. Review status: no assertion criteria provided. Collection method: clinical testing. Allele origin: germline.
Comment: This variant is classified as likely benign based on ACMG/AMP sequence variant interpretation guidelines (Richards et al. 2015 PMID: 25741868, with internal and published modifications).

NM_003482.4(KMT2D):c.15933G>A (p.Val5311=)

Gene: KMT2D (lysine methyltransferase 2D; minus strand). Cytogenetic location: 12q13.12.
Variant type: single nucleotide variant.
Coding change: c.15933G>A on transcript NM_003482.4 (MANE Select); coding-DNA position 15933, G replaced by A.
Protein change: p.Val5311=; no amino-acid change (valine 5311 retained).
Molecular consequence: synonymous variant.
Genome position (GRCh38, 1-based): chr12:49,024,697, C>T on the plus strand (G>A on the coding strand, the complement: KMT2D is on the minus strand). VCF-style: chr12-49024697-C-T. GRCh37 (hg19) VCF-style: chr12-49418480-C-T.
Identifiers: ClinVar variation 3052163 (VCV003052163.2), dbSNP rs2499030708, ClinGen allele CA479521712.
Genomic context (GRCh38, chr12:49,024,697, plus strand): 5'-GAGTGGCAGCTCCATAAGGGGGTGGCGCCCATAGCGGAATAAATAGTTTTGACAGCTCTC[C>T]ACCCCGGGCAGCTGTGGGCACAGTTCATACTCACCTTAGCCTGAGTTTTTTTGGGGTTAG-3'
Protein context (NP_003473.3, residues 5301-5321): VLRIAESLPG[Val5311=]ESCQNYLFRY